The following is an entry in ClinVar:

NM_015898.4(ZBTB7A):c.1499del (p.Lys500fs)

Gene: ZBTB7A (zinc finger and BTB domain containing 7A; minus strand). Cytogenetic location: 19p13.3.
Variant type: Deletion.
Coding change: c.1499del on transcript NM_015898.4 (MANE Select); coding-DNA position 1499, one base deleted (A; older notation c.1499delA).
Protein change: p.Lys500fs; shifts the reading frame from lysine 500.
Molecular consequence: frameshift variant.
Genome position (GRCh38, 1-based): chr19:4,048,008, T deleted on the plus strand (A on the coding strand, the reverse complement: ZBTB7A is on the minus strand); the first of 2 consecutive T bases (chr19:4,048,008-4,048,009); deleting either gives the same sequence. VCF-style (leftmost placement, unchanged base first): chr19-4048007-CT-C. GRCh37 (hg19) VCF-style: chr19-4048005-CT-C.
Other names: c.1499del, p.Lys500fs (NM_001317990.2); short protein forms K500fs.
Identifiers: ClinVar variation 4292749 (VCV004292749.1).

ClinVar aggregate classification (germline): Likely pathogenic (1 of 4 stars; one submission).

Conditions:
Macrocephaly, neurodevelopmental delay, lymphoid hyperplasia, and persistent fetal hemoglobin (MNDLFH). Identifiers: Orphanet 694956, MedGen C5676928, MONDO:0859231, OMIM 619769.

Submission:

3billion
Classification: Likely pathogenic for Macrocephaly, neurodevelopmental delay, lymphoid hyperplasia, and persistent fetal hemoglobin. Last evaluated: 2024-11-14. Review status: criteria provided, single submitter. Criteria: ACMG Guidelines, 2015. Collection method: clinical testing. Allele origin: germline. Affected: yes.
Comment: The variant is not observed in the gnomAD v4.1.0 dataset. Predicted Consequence/Location: Frameshift: predicted to result in a loss or disruption of normal protein function through protein truncation. Multiple pathogenic variants are reported in the predicted truncated region. Therefore, this variant is classified as Likely pathogenic according to the recommendation of ACMG/AMP guideline.